The following is an entry in ClinVar:

NM_004655.4(AXIN2):c.1908-9C>T

Gene: AXIN2 (axin 2; minus strand). Cytogenetic location: 17q24.1.
Variant type: single nucleotide variant.
Coding change: c.1908-9C>T on transcript NM_004655.4 (MANE Select); 9 bases into the intron before coding-DNA position 1908, C replaced by T.
Molecular consequence: intron variant.
Genome position (GRCh38, 1-based): chr17:65,536,562, G>A on the plus strand (C>T on the coding strand, the complement: AXIN2 is on the minus strand). VCF-style: chr17-65536562-G-A. GRCh37 (hg19) VCF-style: chr17-63532680-G-A.
Other names: c.1713-9C>T (NM_001363813.1).
Identifiers: ClinVar variation 1127739 (VCV001127739.10), dbSNP rs1204653790, ClinGen allele CA2499224847.

ClinVar aggregate classification (germline): Likely benign. Review status: criteria provided, multiple submitters, no conflicts (2 of 4 stars). 2 submissions from 2 submitters: Likely benign (2). Last evaluated 2025-09-20.

Conditions:
Oligodontia-cancer predisposition syndrome. Also called: TOOTH AGENESIS-COLORECTAL CANCER SYNDROME. Identifiers: Orphanet 300576, MedGen C1837750, MONDO:0012075, OMIM 608615. Disease mechanism: loss of function.

Submissions (2):

Labcorp Genetics (formerly Invitae), Labcorp
Classification: Likely benign for Oligodontia-cancer predisposition syndrome. Last evaluated: 2025-09-20. Review status: criteria provided, single submitter. Criteria: Invitae Variant Classification Sherloc (09022015). Collection method: clinical testing. Allele origin: germline.

Myriad Genetics, Inc.
Classification: Likely benign for Oligodontia-cancer predisposition syndrome. Last evaluated: 2024-07-08. Review status: criteria provided, single submitter. Criteria: Myriad Autosomal Dominant, Autosomal Recessive and X-Linked Classification Criteria (2023). Collection method: clinical testing. Allele origin: unknown.
Comment: This variant is considered likely benign. This variant is intronic and is not expected to impact mRNA splicing.